The following is an entry in ClinVar:

ClinVar aggregate classification (germline): Uncertain significance (1 of 4 stars; one submission).

gnomAD v4.1: 1 of 1,613,852 alleles (0.000062%); highest among the groups gnomAD compares: East Asian, 0.0022%; no homozygotes.

Submission:

Labcorp Genetics (formerly Invitae), Labcorp
Classification: Uncertain significance. Last evaluated: 2021-08-06. Review status: criteria provided, single submitter. Criteria: Invitae Variant Classification Sherloc (09022015). Collection method: clinical testing. Allele origin: germline.
Comment: This sequence change replaces asparagine with lysine at codon 178 of the FH protein (p.Asn178Lys). The asparagine residue is highly conserved and there is a moderate physicochemical difference between asparagine and lysine. This variant is not present in population databases (ExAC no frequency). This variant has not been reported in the literature in individuals affected with FH-related conditions. Advanced modeling of protein sequence and biophysical properties (such as structural, functional, and spatial information, amino acid conservation, physicochemical variation, residue mobility, and thermodynamic stability) performed at Invitae indicates that this missense variant is expected to disrupt FH protein function. Algorithms developed to predict the effect of sequence changes on RNA splicing suggest that this variant may create or strengthen a splice site. In summary, the available evidence is currently insufficient to determine the role of this variant in disease. Therefore, it has been classified as a Variant of Uncertain Significance.

NM_000143.4(FH):c.534C>A (p.Asn178Lys)

Gene: FH (fumarate hydratase; minus strand). Cytogenetic location: 1q43.
Variant type: single nucleotide variant.
Coding change: c.534C>A on transcript NM_000143.4 (MANE Select); coding-DNA position 534, C replaced by A.
Protein change: p.Asn178Lys; replaces asparagine 178 with lysine.
Molecular consequence: missense variant.
Genome position (GRCh38, 1-based): chr1:241,511,988, G>T on the plus strand (C>A on the coding strand, the complement: FH is on the minus strand). VCF-style: chr1-241511988-G-T. GRCh37 (hg19) VCF-style: chr1-241675288-G-T.
Other names: short protein forms N178K.
Identifiers: ClinVar variation 1467659 (VCV001467659.5), dbSNP rs375878939, ClinGen allele CA345439889.